The following is an entry in ClinVar:

ClinVar aggregate classification (germline): Likely pathogenic (1 of 4 stars; one submission).

Conditions:
Meester-Loeys syndrome. Also called: X-linked severe syndromic thoracic aortic aneurysm and dissection. Identifiers: Orphanet 622925, MedGen C4310811, MONDO:0010515, OMIM 300989.

Submission:

3billion
Classification: Likely pathogenic for Meester-Loeys syndrome. Last evaluated: 2025-12-12. Review status: criteria provided, single submitter. Criteria: ACMG Guidelines, 2015. Collection method: clinical testing. Allele origin: germline. Affected: yes.
Comment: The variant is not observed in the gnomAD v4.1.0 dataset. Predicted Consequence/Location: Frameshift: predicted to result in a loss or disruption of normal protein function through nonsense-mediated decay (NMD) or protein truncation. Multiple pathogenic variants are reported downstream of the variant. Therefore, this variant is classified as Likely pathogenic according to the recommendation of ACMG/AMP guideline.

NM_001711.6(BGN):c.655_671del (p.Lys219fs)

Gene: BGN (biglycan; plus strand). Cytogenetic location: Xq28.
Variant type: Deletion.
Coding change: c.655_671del on transcript NM_001711.6 (MANE Select); coding-DNA positions 655 to 671, 17 bases deleted (AAGCTGACTGGCATCCC).
Protein change: p.Lys219fs; shifts the reading frame from lysine 219.
Molecular consequence: frameshift variant.
Genome position (GRCh38, 1-based): chrX:153,506,618-153,506,634, AAGCTGACTGGCATCCC deleted; deleting any 17 consecutive bases within chrX:153,506,616-153,506,634 gives the same sequence; the c. name uses the placement nearest the transcript's 3' end. VCF-style (leftmost placement, unchanged base first): chrX-153506615-GCCAAGCTGACTGGCATC-G. GRCh37 (hg19) VCF-style: chrX-152772073-GCCAAGCTGACTGGCATC-G.
Other names: short protein forms K219fs.
Identifiers: ClinVar variation 4854372 (VCV004854372.1).